The following is an entry in ClinVar:

NM_053025.4(MYLK):c.1382T>A (p.Ile461Asn)

Gene: MYLK (myosin light chain kinase; minus strand). Cytogenetic location: 3q21.1.
Variant type: single nucleotide variant.
Coding change: c.1382T>A on transcript NM_053025.4 (MANE Select); coding-DNA position 1382, T replaced by A.
Protein change: p.Ile461Asn; replaces isoleucine 461 with asparagine.
Molecular consequence: missense variant. On other transcripts: intron variant (2).
Genome position (GRCh38, 1-based): chr3:123,733,030, A>T on the plus strand (T>A on the coding strand, the complement: MYLK is on the minus strand). VCF-style: chr3-123733030-A-T. GRCh37 (hg19) VCF-style: chr3-123451877-A-T.
Other names: c.854T>A, p.Ile285Asn (NM_001321309.2); c.1382T>A, p.Ile461Asn (NM_053027.4); c.1309+657T>A (NM_053028.4, NM_053026.4); short protein forms I461N, I285N.
Identifiers: ClinVar variation 3712414 (VCV003712414.2).

ClinVar aggregate classification (germline): Uncertain significance (1 of 4 stars; one submission).

Conditions:
Aortic aneurysm, familial thoracic 7 (AAT7). Also called: AORTIC DISSECTION, FAMILIAL, WITH OR WITHOUT AORTIC ANEURYSM. Identifiers: MedGen C3151077, MONDO:0013418, OMIM 613780.

gnomAD v4.1: 1 of 1,614,096 alleles (0.000062%); highest among the groups gnomAD compares: African/African-American, 0.0013%; no homozygotes.

Submission:

Labcorp Genetics (formerly Invitae), Labcorp
Classification: Uncertain significance for Aortic aneurysm, familial thoracic 7. Last evaluated: 2024-07-08. Review status: criteria provided, single submitter. Criteria: Invitae Variant Classification Sherloc (09022015). Collection method: clinical testing. Allele origin: germline.
Comment: This sequence change replaces isoleucine, which is neutral and non-polar, with asparagine, which is neutral and polar, at codon 461 of the MYLK protein (p.Ile461Asn). This variant is not present in population databases (gnomAD no frequency). This variant has not been reported in the literature in individuals affected with MYLK-related conditions. Advanced modeling of protein sequence and biophysical properties (such as structural, functional, and spatial information, amino acid conservation, physicochemical variation, residue mobility, and thermodynamic stability) performed at Invitae indicates that this missense variant is not expected to disrupt MYLK protein function with a negative predictive value of 95%. In summary, the available evidence is currently insufficient to determine the role of this variant in disease. Therefore, it has been classified as a Variant of Uncertain Significance.